The following is an entry in ClinVar:

ClinVar aggregate classification (germline): Benign. Review status: criteria provided, multiple submitters, no conflicts (2 of 4 stars). 3 submissions from 3 submitters: Benign (3). Last evaluated 2021-07-15.

Conditions:
Mast syndrome. Also called: SPASTIC PARAPLEGIA 21, AUTOSOMAL RECESSIVE. Identifiers: Orphanet 101001, MedGen C1855346, MONDO:0009568, OMIM 248900.

Allele frequency attached by ClinVar (database versions not stated): ESP Exome Variant Server 0.50346; gnomAD 0.52524 and 0.52629; TOPMed 0.53129; 1000 Genomes Project 30x 0.53732; 1000 Genomes Project 0.54692; ExAC 0.55191; gnomAD exomes 0.55586 and 0.56606.
gnomAD v4.1: 891,695 of 1,612,688 alleles (55%); highest among the groups gnomAD compares: East Asian, 87%; 252,663 homozygotes.

Submissions (3):

Genome-Nilou Lab
Classification: Benign for Mast syndrome. Last evaluated: 2021-07-15. Review status: criteria provided, single submitter. Criteria: ACMG Guidelines, 2015. Collection method: clinical testing. Allele origin: germline. Affected: no.

GeneDx
Classification: Benign. Last evaluated: 2018-06-14. Review status: criteria provided, single submitter. Criteria: GeneDx Variant Classification (06012015). Collection method: clinical testing. Allele origin: germline. Affected: yes.
Comment: This variant is considered likely benign or benign based on one or more of the following criteria: it is a conservative change, it occurs at a poorly conserved position in the protein, it is predicted to be benign by multiple in silico algorithms, and/or has population frequency not consistent with disease.

Breakthrough Genomics
Classification: Benign. Review status: criteria provided, single submitter. Criteria: ACMG Guidelines, 2015. Collection method: not provided. Allele origin: germline. Inheritance: Autosomal recessive inheritance. Affected: yes.

NM_016630.7(SPG21):c.64-36A>G

Gene: SPG21 (SPG21 abhydrolase domain containing, maspardin; minus strand). Cytogenetic location: 15q22.31.
Variant type: single nucleotide variant.
Coding change: c.64-36A>G on transcript NM_016630.7 (MANE Select); 36 bases into the intron before coding-DNA position 64, A replaced by G.
Molecular consequence: intron variant.
Genome position (GRCh38, 1-based): chr15:64,981,061, T>C on the plus strand (A>G on the coding strand, the complement: SPG21 is on the minus strand). VCF-style: chr15-64981061-T-C. GRCh37 (hg19) VCF-style: chr15-65273399-T-C.
Other names: c.64-36A>G (NM_001127890.5, NM_001127889.5).
Identifiers: ClinVar variation 670117 (VCV000670117.4), dbSNP rs4776659, ClinGen allele CA7613090.